The following is an entry in ClinVar:

NM_001164277.2(SLC37A4):c.145T>G (p.Leu49Val)

Gene: SLC37A4 (solute carrier family 37 member 4; minus strand). Cytogenetic location: 11q23.3.
Variant type: single nucleotide variant.
Coding change: c.145T>G on transcript NM_001164277.2 (MANE Select); coding-DNA position 145, T replaced by G.
Protein change: p.Leu49Val; replaces leucine 49 with valine.
Molecular consequence: missense variant. On other transcripts: intron variant (1).
Genome position (GRCh38, 1-based): chr11:119,029,225, A>C on the plus strand (T>G on the coding strand, the complement: SLC37A4 is on the minus strand). VCF-style: chr11-119029225-A-C. GRCh37 (hg19) VCF-style: chr11-118899935-A-C.
Other names: c.145T>G, p.Leu49Val (NM_001164278.2, NM_001164280.2, NM_001467.6); c.-172+167T>G (NM_001164279.2); short protein forms L49V.
Identifiers: ClinVar variation 947662 (VCV000947662.9), dbSNP rs1277675258, ClinGen allele CA382907889.

ClinVar aggregate classification (germline): Uncertain significance. Review status: criteria provided, multiple submitters, no conflicts (2 of 4 stars). 3 submissions from 3 submitters: Uncertain significance (2). 1 of the submissions does not count toward it. Last evaluated 2026-08-12.

Conditions:
Glycogen storage disease, type I. Identifiers: Orphanet 364, MedGen C0017920, MONDO:0002413.
Glucose-6-phosphate transport defect (GSD1B). Also called: GSD Ib; Glycogen Storage Disease Type Ib. Identifiers: Orphanet 364, Orphanet 79259, MedGen C0268146, MONDO:0009288, OMIM 232220.

Allele frequency attached by ClinVar (database versions not stated): gnomAD exomes below 0.00001; gnomAD 0.00001; TOPMed 0.00001.

Submissions (3):

Myriad Genetics, Inc.
Classification: Uncertain significance for Glycogen storage disease, type I. Last evaluated: 2026-08-12. Review status: criteria provided, single submitter. Criteria: Myriad Autosomal Dominant, Autosomal Recessive and X-Linked Classification Criteria (2023). Collection method: clinical testing. Allele origin: unknown.
Comment: NM_001164277.1(SLC37A4):c.145T>G(L49V) is a missense variant classified as a variant of uncertain significance in the context of glycogen storage disease type Ib. L49V has been observed in cases with relevant disease (PMID: 40009380). Relevant functional assessments of this variant are not available in the literature. L49V has been observed in referenced population frequency databases. In summary, there is insufficient evidence to classify NM_001164277.1(SLC37A4):c.145T>G(L49V) as pathogenic or benign. Please note: this variant was assessed in the context of healthy population screening.

Labcorp Genetics (formerly Invitae), Labcorp
Classification: Uncertain significance for Glucose-6-phosphate transport defect. Last evaluated: 2021-08-24. Review status: criteria provided, single submitter. Criteria: Invitae Variant Classification Sherloc (09022015). Collection method: clinical testing. Allele origin: germline.

Natera, Inc.
Classification: Uncertain significance for Glycogen storage disease type Ib. Last evaluated: 2020-03-05. Review status: no assertion criteria provided. Collection method: clinical testing. Allele origin: germline. Not counted in ClinVar's aggregate classification.

Literature cited by the submitters: PubMed 40009380 (cited by Myriad Genetics, Inc.).